The following is an entry in ClinVar:

NM_001080.3(ALDH5A1):c.1164G>C (p.Ala388=)

Gene: ALDH5A1 (aldehyde dehydrogenase 5 family member A1; plus strand). Cytogenetic location: 6p22.3.
Variant type: single nucleotide variant.
Coding change: c.1164G>C on transcript NM_001080.3 (MANE Select); coding-DNA position 1164, G replaced by C.
Protein change: p.Ala388=; no amino-acid change (alanine 388 retained).
Molecular consequence: synonymous variant.
Genome position (GRCh38, 1-based): chr6:24,522,916, G>C. VCF-style: chr6-24522916-G-C. GRCh37 (hg19) VCF-style: chr6-24523144-G-C.
Other names: p.Ala388=; c.1020G>C, p.Ala340= (NM_001368954.1); c.1203G>C, p.Ala401= (NM_170740.1).
Identifiers: ClinVar variation 529492 (VCV000529492.13), dbSNP rs553384589, ClinGen allele CA3656859.

ClinVar aggregate classification (germline): Likely benign. Review status: criteria provided, multiple submitters, no conflicts (2 of 4 stars). 2 submissions from 2 submitters: Likely benign (2). Last evaluated 2025-08-20.

Conditions:
Succinate-semialdehyde dehydrogenase deficiency (SSADHD). Also called: GABA METABOLIC DEFECT; 4-HYDROXYBUTYRIC ACIDURIA; SSADH DEFICIENCY; Succinic Semialdehyde Dehydrogenase Deficiency. Identifiers: Orphanet 22, MedGen C0268631, MONDO:0010083, OMIM 271980.

Allele frequency attached by ClinVar (database versions not stated): TOPMed 0.00002; 1000 Genomes Project 30x 0.00016; 1000 Genomes Project 0.00020.
gnomAD v4.1: 43 of 1,611,932 alleles (0.0027%); highest among the groups gnomAD compares: Non-Finnish European, 0.0034%; no homozygotes.

Submissions (2):

Labcorp Genetics (formerly Invitae), Labcorp
Classification: Likely benign for Succinate-semialdehyde dehydrogenase deficiency. Last evaluated: 2025-08-20. Review status: criteria provided, single submitter. Criteria: Invitae Variant Classification Sherloc (09022015). Collection method: clinical testing. Allele origin: germline.

Mayo Clinic Laboratories, Mayo Clinic
Classification: Likely benign. Last evaluated: 2025-07-15. Review status: criteria provided, single submitter. Criteria: ACMG Guidelines, 2015. Collection method: clinical testing. Allele origin: germline. Observed: 1 variant allele.
Comment: BP4, BP7